The following is an entry in ClinVar:

NM_013275.6(ANKRD11):c.3922_3923delinsCA (p.Phe1308His)

Gene: ANKRD11 (ankyrin repeat domain containing 11; minus strand). Cytogenetic location: 16q24.3.
Variant type: Indel.
Coding change: c.3922_3923delinsCA on transcript NM_013275.6 (MANE Select); coding-DNA positions 3922 to 3923, TT replaced by CA.
Protein change: p.Phe1308His; replaces phenylalanine 1308 with histidine.
Molecular consequence: missense variant.
Genome position (GRCh38, 1-based): chr16:89,282,619-89,282,620, AA replaced by TG on the plus strand (TT replaced by CA on the coding strand, the reverse complement: ANKRD11 is on the minus strand). VCF-style: chr16-89282619-AA-TG. GRCh37 (hg19) VCF-style: chr16-89349027-AA-TG.
Other names: c.3922_3923delinsCA, p.Phe1308His (NM_001256182.2, NM_001256183.2); short protein forms F1308H.
Identifiers: ClinVar variation 2573883 (VCV002573883.1), dbSNP rs2544235012, ClinGen allele CA2580613977.
Genomic context (GRCh38, chr16:89,282,619, plus strand): 5'-GGCTCCGTGAAAGAGACCTCCAGGAAGGCAGTCAGCCCCGGCTCCTGCCCTCGGTCCGTG[AA>TG]GCTGTCAGAGGAGACCTCGCTGATTTTATCGTTGGAGTCTTCTCTGTACTCATGGAGAGC-3'
Protein context (NP_037407.4, residues 1298-1318): DKISEVSSDS[Phe1308His]TDRGQEPGLT

ClinVar aggregate classification (germline): Uncertain significance (1 of 4 stars; one submission).

Submission:

GeneDx
Classification: Uncertain significance. Last evaluated: 2023-01-23. Review status: criteria provided, single submitter. Criteria: GeneDx Variant Classification Process June 2021. Collection method: clinical testing. Allele origin: germline. Affected: yes.
Comment: Not observed at significant frequency in large population cohorts (gnomAD); In silico analysis supports a deleterious effect on protein structure/function; Has not been previously published as pathogenic or benign to our knowledge